The following is an entry in ClinVar:

NM_001318895.3(FHL2):c.183G>T (p.Trp61Cys)

Genes: FHL2 (four and a half LIM domains 2; minus strand), C2orf49 (chromosome 2 open reading frame 49; plus strand). Cytogenetic location: 2q12.2.
Variant type: single nucleotide variant.
Coding change: c.183G>T on transcript NM_001318895.3 (MANE Select); coding-DNA position 183, G replaced by T.
Protein change: p.Trp61Cys; replaces tryptophan 61 with cysteine.
Molecular consequence: missense variant. On other transcripts: 5 prime UTR variant (1), intron variant (2).
Genome position (GRCh38, 1-based): chr2:105,373,707, C>A on the plus strand (G>T on the coding strand, the complement: FHL2 is on the minus strand). VCF-style: chr2-105373707-C-A. GRCh37 (hg19) VCF-style: chr2-105990164-C-A.
Other names: c.183G>T, p.Trp61Cys (NM_001039492.3, NM_001318894.1, NM_001318896.2 and 4 more transcripts); c.-142G>T (NM_001318899.2); c.-11-5968G>T (NM_001318897.2, NM_001318898.2); short protein forms W61C.
Identifiers: ClinVar variation 454291 (VCV000454291.8), dbSNP rs772913386, ClinGen allele CA1814803.

ClinVar aggregate classification (germline): Uncertain significance (1 of 4 stars; one submission).

Conditions:
Primary dilated cardiomyopathy (DCM). Also called: Dilated Cardiomyopathy. Identifiers: Orphanet 217604, MedGen C0007193, MeSH D002311, MONDO:0005021, HP:0001644. Inheritance: Various modes of inheritance.

Submission:

Labcorp Genetics (formerly Invitae), Labcorp
Classification: Uncertain significance for Primary dilated cardiomyopathy. Last evaluated: 2025-08-30. Review status: criteria provided, single submitter. Criteria: Invitae Variant Classification Sherloc (09022015). Collection method: clinical testing. Allele origin: germline.
Comment: This sequence change replaces tryptophan, which is neutral and slightly polar, with cysteine, which is neutral and slightly polar, at codon 61 of the FHL2 protein (p.Trp61Cys). This variant is present in population databases (rs772913386, gnomAD 0.006%). This variant has not been reported in the literature in individuals affected with FHL2-related conditions. ClinVar contains an entry for this variant (Variation ID: 454291). An algorithm developed to predict the effect of missense changes on protein structure and function (PolyPhen-2) suggests that this variant is likely to be disruptive. In summary, the available evidence is currently insufficient to determine the role of this variant in disease. Therefore, it has been classified as a Variant of Uncertain Significance.